The following is an entry in ClinVar:

ClinVar aggregate classification (germline): Conflicting classifications of pathogenicity. Review status: criteria provided, conflicting classifications (1 of 4 stars). 2 submissions from 2 submitters: Uncertain significance (1); Likely benign (1). Last evaluated 2024-08-20.

Conditions:
Hereditary cancer-predisposing syndrome. Also called: Tumor predisposition; Neoplastic Syndromes, Hereditary; Hereditary Cancer Syndrome; Hereditary neoplastic syndrome. Identifiers: Orphanet 140162, MedGen C0027672, MeSH D009386, MONDO:0015356.
Hereditary nonpolyposis colorectal neoplasms. Identifiers: MedGen C0009405, MeSH D003123.

Submissions (2):

Ambry Genetics
Classification: Uncertain significance for Hereditary cancer-predisposing syndrome. Last evaluated: 2024-08-20. Review status: criteria provided, single submitter. Criteria: Ambry Variant Classification Scheme 2023. Collection method: clinical testing. Allele origin: germline.
Comment: The c.353+15T>G intronic variant results from a T to G substitution 15 nucleotides after coding exon 4 in the PMS2 gene. This nucleotide position is not well conserved in available vertebrate species. In silico splice site analysis for this alteration is inconclusive; however, direct evidence is insufficient at this time (Ambry internal data). Based on the available evidence, the clinical significance of this variant remains unclear.

Labcorp Genetics (formerly Invitae), Labcorp
Classification: Likely benign for Hereditary nonpolyposis colorectal neoplasms. Last evaluated: 2021-08-24. Review status: criteria provided, single submitter. Criteria: Invitae Variant Classification Sherloc (09022015). Collection method: clinical testing. Allele origin: germline.

NM_000535.7(PMS2):c.353+15T>G

Gene: PMS2 (PMS1 homolog 2, mismatch repair system component; minus strand). Cytogenetic location: 7p22.1.
Variant type: single nucleotide variant.
Coding change: c.353+15T>G on transcript NM_000535.7 (MANE Select); 15 bases into the intron after coding-DNA position 353, T replaced by G.
Molecular consequence: intron variant.
Genome position (GRCh38, 1-based): chr7:6,003,675, A>C on the plus strand (T>G on the coding strand, the complement: PMS2 is on the minus strand). VCF-style: chr7-6003675-A-C. GRCh37 (hg19) VCF-style: chr7-6043306-A-C.
Other names: c.353+15T>G (NM_000535.5, NM_001322006.2, NM_001322014.2); c.35+297T>G (NM_001322008.2, NM_001322007.2); c.-53+15T>G (NM_001322010.2, NM_001322004.2, NM_001322013.2 and 3 more transcripts); c.-532+15T>G (NM_001322012.2, NM_001322011.2); c.-132+15T>G (NM_001322015.2).
Identifiers: ClinVar variation 1580044 (VCV001580044.9), dbSNP rs2128825710, ClinGen allele CA2573141978.